The following is an entry in ClinVar:

ClinVar aggregate classification (germline): Uncertain significance (1 of 4 stars; one submission).

Conditions:
Episodic ataxia type 2 (EA2). Also called: ATAXIA, EPISODIC, WITH NYSTAGMUS; ATAXIA, FAMILIAL PAROXYSMAL; CEREBELLAR ATAXIA, PAROXYSMAL, ACETAZOLAMIDE-RESPONSIVE; CEREBELLOPATHY, HEREDITARY PAROXYSMAL; EPISODIC ATAXIA, NYSTAGMUS-ASSOCIATED; ACETAZOLAMIDE-RESPONSIVE HEREDITARY PAROXYSMAL CEREBELLAR ATAXIA. Identifiers: Orphanet 97, MedGen C1720416, MONDO:0007163, OMIM 108500.
Developmental and epileptic encephalopathy, 42 (DEE42A). Also called: Epileptic encephalopathy, early infantile, 42; DEVELOPMENTAL AND EPILEPTIC ENCEPHALOPATHY 42A; EPILEPTIC ENCEPHALOPATHY, EARLY INFANTILE, 42A. Identifiers: MedGen C4310716, MONDO:0014917, OMIM 617106.

Submission:

Labcorp Genetics (formerly Invitae), Labcorp
Classification: Uncertain significance for Developmental and epileptic encephalopathy, 42; Episodic ataxia type 2. Last evaluated: 2022-03-14. Review status: criteria provided, single submitter. Criteria: Invitae Variant Classification Sherloc (09022015). Collection method: clinical testing. Allele origin: germline.
Comment: In summary, the available evidence is currently insufficient to determine the role of this variant in disease. Therefore, it has been classified as a Variant of Uncertain Significance. Advanced modeling of protein sequence and biophysical properties (such as structural, functional, and spatial information, amino acid conservation, physicochemical variation, residue mobility, and thermodynamic stability) performed at Invitae indicates that this missense variant is expected to disrupt CACNA1A protein function. This variant has not been reported in the literature in individuals affected with CACNA1A-related conditions. This variant is not present in population databases (gnomAD no frequency). This sequence change replaces valine, which is neutral and non-polar, with aspartic acid, which is acidic and polar, at codon 171 of the CACNA1A protein (p.Val171Asp).

NM_001127222.2(CACNA1A):c.512T>A (p.Val171Asp)

Gene: CACNA1A (calcium voltage-gated channel subunit alpha1 A; minus strand). Cytogenetic location: 19p13.13.
Variant type: single nucleotide variant.
Coding change: c.512T>A on transcript NM_001127222.2 (MANE Select); coding-DNA position 512, T replaced by A.
Protein change: p.Val171Asp; replaces valine 171 with aspartic acid.
Molecular consequence: missense variant.
Genome position (GRCh38, 1-based): chr19:13,452,903, A>T on the plus strand (T>A on the coding strand, the complement: CACNA1A is on the minus strand). VCF-style: chr19-13452903-A-T. GRCh37 (hg19) VCF-style: chr19-13563717-A-T.
Other names: c.512T>A, p.Val171Asp (NM_000068.4, NM_001127221.2, NM_001174080.2 and 1 more transcripts); short protein forms V171D.
Identifiers: ClinVar variation 2111986 (VCV002111986.4), dbSNP rs2513503515, ClinGen allele CA404967460.